The following is an entry in ClinVar:

NM_016169.4(SUFU):c.1084C>A (p.Arg362Ser)

Gene: SUFU (SUFU negative regulator of hedgehog signaling; plus strand). Cytogenetic location: 10q24.32.
Variant type: single nucleotide variant.
Coding change: c.1084C>A on transcript NM_016169.4 (MANE Select); coding-DNA position 1084, C replaced by A.
Protein change: p.Arg362Ser; replaces arginine 362 with serine.
Molecular consequence: missense variant.
Genome position (GRCh38, 1-based): chr10:102,615,329, C>A. VCF-style: chr10-102615329-C-A. GRCh37 (hg19) VCF-style: chr10-104375086-C-A.
Other names: c.1084C>A, p.Arg362Ser (NM_001178133.2); short protein forms R362S.
Identifiers: ClinVar variation 3226855 (VCV003226855.1), dbSNP rs36049457, ClinGen allele CA377914064.

ClinVar aggregate classification (germline): Uncertain significance (1 of 4 stars; one submission).

Conditions:
Hereditary cancer-predisposing syndrome. Also called: Neoplastic Syndromes, Hereditary; Tumor predisposition; Hereditary neoplastic syndrome; Hereditary Cancer Syndrome. Identifiers: Orphanet 140162, MedGen C0027672, MeSH D009386, MONDO:0015356.

Submission:

Ambry Genetics
Classification: Uncertain significance for Hereditary cancer-predisposing syndrome. Last evaluated: 2023-12-10. Review status: criteria provided, single submitter. Criteria: Ambry Variant Classification Scheme 2023. Collection method: clinical testing. Allele origin: germline.
Comment: The p.R362S variant (also known as c.1084C>A), located in coding exon 9 of the SUFU gene, results from a C to A substitution at nucleotide position 1084. The arginine at codon 362 is replaced by serine, an amino acid with dissimilar properties. This amino acid position is conserved. In addition, the in silico prediction for this alteration is inconclusive. Since supporting evidence is limited at this time, the clinical significance of this alteration remains unclear.